The following is an entry in ClinVar:

ClinVar aggregate classification (germline): Likely benign (1 of 4 stars; one submission).

Allele frequency attached by ClinVar (database versions not stated): ExAC 0.00025; ESP Exome Variant Server 0.00031.
gnomAD v4.1: 213 of 1,613,968 alleles (0.013%); highest among the groups gnomAD compares: Admixed American, 0.11%; no homozygotes.

Submission:

CeGaT Center for Human Genetics Tuebingen
Classification: Likely benign. Last evaluated: 2023-02-01. Review status: criteria provided, single submitter. Criteria: CeGaT Center For Human Genetics Tuebingen Variant Classification Criteria Version 2. Collection method: clinical testing. Allele origin: germline. Affected: yes. Observed: 1 variant allele.
Comment: MANSC1: BP4, BP7

NM_018050.4(MANSC1):c.492C>T (p.Thr164=)

Gene: MANSC1 (MANSC domain containing 1; minus strand). Cytogenetic location: 12p13.2.
Variant type: single nucleotide variant.
Coding change: c.492C>T on transcript NM_018050.4 (MANE Select); coding-DNA position 492, C replaced by T.
Protein change: p.Thr164=; no amino-acid change (threonine 164 retained).
Molecular consequence: synonymous variant.
Genome position (GRCh38, 1-based): chr12:12,330,831, G>A on the plus strand (C>T on the coding strand, the complement: MANSC1 is on the minus strand). VCF-style: chr12-12330831-G-A. GRCh37 (hg19) VCF-style: chr12-12483765-G-A.
Other names: c.390C>T, p.Thr130= (NM_001363613.2).
Identifiers: ClinVar variation 2642736 (VCV002642736.24), dbSNP rs375298595, ClinGen allele CA6456172.
Genomic context (GRCh38, chr12:12,330,831, plus strand): 5'-TTTCTCCAAGTGATCTGAGGATCCAAACTTCTGAGAAAGTGTGTCTCTCCATGAGATATC[G>A]GTGGGCTTTGAATAATCTGTGTGATGATGGGCTAGGGGAGTGACTGCTTGTGAAAATTGG-3'
Protein context (NP_060520.2, residues 154-174): AHHHTDYSKP[Thr164=]DISWRDTLSQ